The following is an entry in ClinVar:

ClinVar aggregate classification (germline): Uncertain significance (1 of 4 stars; one submission).

Submission:

GeneDx
Classification: Uncertain significance. Last evaluated: 2025-02-06. Review status: criteria provided, single submitter. Criteria: GeneDx Variant Classification Process June 2021. Collection method: clinical testing. Allele origin: germline. Affected: yes.
Comment: Not observed at significant frequency in large population cohorts (gnomAD); In silico analysis supports a deleterious effect on splicing; Has not been previously published as pathogenic or benign to our knowledge

NM_005445.4(SMC3):c.3297+3A>G

Gene: SMC3 (structural maintenance of chromosomes 3; plus strand). Cytogenetic location: 10q25.2.
Variant type: single nucleotide variant.
Coding change: c.3297+3A>G on transcript NM_005445.4 (MANE Select); 3 bases into the intron after coding-DNA position 3297, A replaced by G.
Molecular consequence: intron variant.
Genome position (GRCh38, 1-based): chr10:110,602,668, A>G. VCF-style: chr10-110602668-A-G. GRCh37 (hg19) VCF-style: chr10-112362426-A-G.
Identifiers: ClinVar variation 4074619 (VCV004074619.1).